The following is an entry in ClinVar:

NM_001130987.2(DYSF):c.345+8C>T

Gene: DYSF (dysferlin; plus strand). Cytogenetic location: 2p13.2.
Variant type: single nucleotide variant.
Coding change: c.345+8C>T on transcript NM_001130987.2 (MANE Select); 8 bases into the intron after coding-DNA position 345, C replaced by T.
Molecular consequence: intron variant.
Genome position (GRCh38, 1-based): chr2:71,503,327, C>T. VCF-style: chr2-71503327-C-T. GRCh37 (hg19) VCF-style: chr2-71730457-C-T.
Other names: c.342+8C>T (NM_001130979.2, NM_001130981.2, NM_001130980.2 and 4 more transcripts); c.345+8C>T (NM_001130982.2, NM_001130985.2, NM_001130983.2 and 3 more transcripts).
Identifiers: ClinVar variation 513446 (VCV000513446.11), dbSNP rs780906230, ClinGen allele CA1705317.
Genomic context (GRCh38, chr2:71,503,327, plus strand): 5'-TGTCCGCCAGCTTCAATGCCCCCCTGCTGGACACCAAGAAGCAGCCCACAGGGGTAAGTG[C>T]CCATCAGCCTCTGCCAGGTTAAGGTCCAAGGCATTGCCAGGTGGCTTCCTCTTTGGGCCT-3'

ClinVar aggregate classification (germline): Likely benign. Review status: criteria provided, multiple submitters, no conflicts (2 of 4 stars). 2 submissions from 2 submitters: Likely benign (2). Last evaluated 2024-02-23.

Conditions:
Neuromuscular disease caused by qualitative or quantitative defects of dysferlin. Also called: Dysferlinopathy; Qualitative or quantitative defects of dysferlin. Identifiers: Orphanet 207073, MedGen C2931687, MONDO:0016145.

Allele frequency attached by ClinVar (database versions not stated): gnomAD 0.00001; gnomAD exomes 0.00001 and 0.00002; TOPMed 0.00001; ExAC 0.00004.
gnomAD v4.1: 6 of 1,613,688 alleles (0.00037%); highest among the groups gnomAD compares: Admixed American, 0.0067%; no homozygotes.

Submissions (2):

Labcorp Genetics (formerly Invitae), Labcorp
Classification: Likely benign for Neuromuscular disease caused by qualitative or quantitative defects of dysferlin. Last evaluated: 2024-02-23. Review status: criteria provided, single submitter. Criteria: Invitae Variant Classification Sherloc (09022015). Collection method: clinical testing. Allele origin: germline.

GeneDx
Classification: Likely benign. Last evaluated: 2017-11-21. Review status: criteria provided, single submitter. Criteria: GeneDx Variant Classification (06012015). Collection method: clinical testing. Allele origin: germline. Affected: yes.
Comment: This variant is considered likely benign or benign based on one or more of the following criteria: it is a conservative change, it occurs at a poorly conserved position in the protein, it is predicted to be benign by multiple in silico algorithms, and/or has population frequency not consistent with disease.